The following is an entry in ClinVar:

NM_001069.3(TUBB2A):c.937_938insCCG (p.Thr312_Val313insAla)

Gene: TUBB2A (tubulin beta 2A class IIa; minus strand). Cytogenetic location: 6p25.2.
Variant type: Insertion.
Coding change: c.937_938insCCG on transcript NM_001069.3 (MANE Select); coding-DNA positions 937 to 938, CCG inserted.
Protein change: p.Thr312_Val313insAla.
Genome position: GRCh38 VCF-style: chr6-3154263-A-ACGG. GRCh37 (hg19) VCF-style: chr6-3154497-A-ACGG.
Other names: c.682_683insCCG, p.Thr227_Val228insAla (NM_001310315.2).
Identifiers: ClinVar variation 4527274 (VCV004527274.1).

ClinVar aggregate classification (germline): Uncertain significance (1 of 4 stars; one submission).

Submission:

GeneDx
Classification: Uncertain significance. Last evaluated: 2025-04-24. Review status: criteria provided, single submitter. Criteria: GeneDx Variant Classification Process June 2021. Collection method: clinical testing. Allele origin: germline. Affected: yes.
Comment: Not observed at significant frequency in large population cohorts (gnomAD); In-frame insertion of 1 amino acid(s) in a non-repeat region; Has not been previously published as pathogenic or benign to our knowledge